The following is an entry in ClinVar:

ClinVar aggregate classification (germline): Likely benign. Review status: criteria provided, multiple submitters, no conflicts (2 of 4 stars). 3 submissions from 3 submitters: Likely benign (3). Last evaluated 2025-11-01.

Conditions:
Primary ciliary dyskinesia 22. Also called: CILIARY DYSKINESIA, PRIMARY, 22, WITH OR WITHOUT SITUS INVERSUS. Identifiers: Orphanet 244, MedGen C3809543, MONDO:0014192, OMIM 615444.
Primary ciliary dyskinesia. Also called: Ciliary dyskinesia. Identifiers: Orphanet 244, MedGen C0008780, MONDO:0016575, HP:0012265.

Allele frequency attached by ClinVar (database versions not stated): gnomAD exomes 0.00022; ExAC 0.00046; 1000 Genomes Project 30x 0.00047; 1000 Genomes Project 0.00060.
gnomAD v4.1: 129 of 1,601,624 alleles (0.0081%); highest among the groups gnomAD compares: South Asian, 0.095%; 1 homozygote.

Submissions (3):

CeGaT Center for Human Genetics Tuebingen
Classification: Likely benign. Last evaluated: 2025-11-01. Review status: criteria provided, single submitter. Criteria: CeGaT Center For Human Genetics Tuebingen Variant Classification Criteria Version 2. Collection method: clinical testing. Allele origin: germline. Affected: yes. Observed: 1 variant allele.
Comment: ZMYND10: BP4

Labcorp Genetics (formerly Invitae), Labcorp
Classification: Likely benign for Primary ciliary dyskinesia. Last evaluated: 2025-09-09. Review status: criteria provided, single submitter. Criteria: Invitae Variant Classification Sherloc (09022015). Collection method: clinical testing. Allele origin: germline.

ARUP Laboratories, Molecular Genetics and Genomics, ARUP Laboratories
Classification: Likely benign for Primary ciliary dyskinesia 22. Last evaluated: 2024-07-08. Review status: criteria provided, single submitter. Criteria: ARUP Molecular Germline Variant Investigation Process 2024. Collection method: clinical testing. Allele origin: germline.

NM_015896.4(ZMYND10):c.88G>A (p.Glu30Lys)

Gene: ZMYND10 (zinc finger MYND-type containing 10; minus strand). Cytogenetic location: 3p21.31.
Variant type: single nucleotide variant.
Coding change: c.88G>A on transcript NM_015896.4 (MANE Select); coding-DNA position 88, G replaced by A.
Protein change: p.Glu30Lys; replaces glutamic acid 30 with lysine.
Molecular consequence: missense variant.
Genome position (GRCh38, 1-based): chr3:50,345,492, C>T on the plus strand (G>A on the coding strand, the complement: ZMYND10 is on the minus strand). VCF-style: chr3-50345492-C-T. GRCh37 (hg19) VCF-style: chr3-50382923-C-T.
Other names: c.88G>A, p.Glu30Lys (NM_001308379.2); short protein forms E30K.
Identifiers: ClinVar variation 1656861 (VCV001656861.15), dbSNP rs587731307, ClinGen allele CA2417322.